The following is an entry in ClinVar:

NM_032043.3(BRIP1):c.3375AGA[1] (p.Glu1126del)

Gene: BRIP1 (BRCA1 interacting DNA helicase 1; minus strand). Cytogenetic location: 17q23.2.
Variant type: Microsatellite.
Coding change: c.3375AGA[1] on transcript NM_032043.3 (MANE Select); one copy of the 3-base unit AGA starting at c.3375; the reference has two copies in a row; one copy, 3 bases deleted; also written c.3378_3380del.
Protein change: p.Glu1126del; deletes glutamic acid 1126.
Molecular consequence: inframe deletion. On other transcripts: inframe indel (2).
Genome position (GRCh38, 1-based): chr17:61,683,666-61,683,668, TCT deleted on the plus strand (AGA on the coding strand, the reverse complement: BRIP1 is on the minus strand); deleting any 3 consecutive bases within chr17:61,683,666-61,683,671 gives the same sequence; the position shown is the placement nearest the transcript's 3' end. VCF-style (leftmost placement, unchanged base first): chr17-61683665-ATCT-A. GRCh37 (hg19) VCF-style: chr17-59761026-ATCT-A.
Other names: c.3375_3377AGA[1], p.Glu1126del (NM_032043.2); c.3378_3380delAGA (NM_032043.2); c.3378_3380del (NM_032043.3, NM_032043.2); short protein forms E1126del.
Identifiers: ClinVar variation 1730778 (VCV001730778.5), dbSNP rs2544556834, ClinGen allele CA2580613189.

ClinVar aggregate classification (germline): Uncertain significance. Review status: criteria provided, multiple submitters, no conflicts (2 of 4 stars). 3 submissions from 3 submitters: Uncertain significance (3). Last evaluated 2023-07-30.

Conditions:
Hereditary cancer-predisposing syndrome. Also called: Neoplastic Syndromes, Hereditary; Tumor predisposition; Hereditary Cancer Syndrome; Hereditary neoplastic syndrome. Identifiers: Orphanet 140162, MedGen C0027672, MeSH D009386, MONDO:0015356.
Familial cancer of breast. Also called: BREAST CANCER, FAMILIAL; Hereditary breast cancer; hereditary breast carcinoma. Identifiers: Orphanet 227535, MedGen C0346153, MONDO:0016419, OMIM 114480. Disease mechanism: loss of function.

Submissions (3):

GeneDx
Classification: Uncertain significance. Last evaluated: 2023-07-30. Review status: criteria provided, single submitter. Criteria: GeneDx Variant Classification Process June 2021. Collection method: clinical testing. Allele origin: germline. Affected: yes.
Comment: In-frame deletion of 1 amino acid in a non-repeat region; Not observed at significant frequency in large population cohorts (gnomAD); In silico analysis supports a deleterious effect on protein structure/function; Has not been previously published as pathogenic or benign to our knowledge

Baylor Genetics
Classification: Uncertain significance for Familial cancer of breast. Last evaluated: 2023-05-31. Review status: criteria provided, single submitter. Criteria: ACMG Guidelines, 2015. Collection method: clinical testing. Allele origin: unknown.

Ambry Genetics
Classification: Uncertain significance for Hereditary cancer-predisposing syndrome. Last evaluated: 2023-03-30. Review status: criteria provided, single submitter. Criteria: Ambry Variant Classification Scheme 2023. Collection method: clinical testing. Allele origin: germline.
Comment: The c.3378_3380delAGA variant (also known as p.E1126del) is located in coding exon 19 of the BRIP1 gene. This variant results from an in-frame AGA deletion at nucleotide positions 3378 to 3380. This results in the in-frame deletion of a glutamic acid at codon 1126. This amino acid position is well conserved in available vertebrate species. In addition, the in silico prediction for this alteration is inconclusive (Choi Y et al. PLoS ONE. 2012; 7(10):e46688). Since supporting evidence is limited at this time, the clinical significance of this alteration remains unclear.